The following is an entry in ClinVar:

NM_016507.4(CDK12):c.4430G>C (p.Arg1477Thr)

Gene: CDK12 (cyclin dependent kinase 12; plus strand). Cytogenetic location: 17q12.
Variant type: single nucleotide variant.
Coding change: c.4430G>C on transcript NM_016507.4 (MANE Select); coding-DNA position 4430, G replaced by C.
Protein change: p.Arg1477Thr; replaces arginine 1477 with threonine.
Molecular consequence: missense variant.
Genome position (GRCh38, 1-based): chr17:39,531,273, G>C. VCF-style: chr17-39531273-G-C. GRCh37 (hg19) VCF-style: chr17-37687526-G-C.
Other names: c.4403G>C, p.Arg1468Thr (NM_015083.4); short protein forms R1477T, R1468T.
Identifiers: ClinVar variation 4224185 (VCV004224185.1).
Genomic context (GRCh38, chr17:39,531,273, plus strand): 5'-TTCACTGGGGGGGCCCAACTCAGTCTTCTGCTTATGGAAAACTCTATCGGGGGCCTACAA[G>C]AGTCCCACCAAGAGGGGGAAGAGGGAGAGGAGTTCCTTACTAACCCAGAGACTTCAGTGT-3'
Protein context (NP_057591.2, residues 1467-1487): AYGKLYRGPT[Arg1477Thr]VPPRGGRGRG

ClinVar aggregate classification (germline): Uncertain significance (1 of 4 stars; one submission).

Submission:

Ambry Genetics
Classification: Uncertain significance. Last evaluated: 2025-06-15. Review status: criteria provided, single submitter. Criteria: Ambry Variant Classification Scheme 2023. Collection method: clinical testing. Allele origin: germline.
Comment: The p.R1477T variant (also known as c.4430G>C), located in coding exon 14 of the CDK12 gene, results from a G to C substitution at nucleotide position 4430. The arginine at codon 1477 is replaced by threonine, an amino acid with similar properties. This amino acid position is conserved. In addition, this alteration is predicted to be deleterious by in silico analysis. Based on the available evidence, the clinical significance of this variant remains unclear.